The following is an entry in ClinVar:

NM_054027.6(ANKH):c.*3928C>T

Genes: ANKH (ANKH inorganic pyrophosphate transport regulator; minus strand), OTULIN (OTU deubiquitinase with linear linkage specificity; plus strand). Cytogenetic location: 5p15.2.
Variant type: single nucleotide variant.
Coding change: c.*3928C>T on transcript NM_054027.6 (MANE Select); 3928 bases downstream of the stop codon, C replaced by T.
Molecular consequence: 3 prime UTR variant.
Genome position (GRCh38, 1-based): chr5:14,707,269, G>A on the plus strand (C>T on the coding strand, the complement: ANKH is on the minus strand). VCF-style: chr5-14707269-G-A. GRCh37 (hg19) VCF-style: chr5-14707378-G-A.
Identifiers: ClinVar variation 351424 (VCV000351424.6), dbSNP rs27911, ClinGen allele CA10619280.

ClinVar aggregate classification (germline): Benign. Review status: criteria provided, multiple submitters, no conflicts (2 of 4 stars). 3 submissions from 2 submitters: Benign (3). Last evaluated 2018-01-13.

Conditions:
Chondrocalcinosis 2. Also called: CALCIUM GOUT; CALCIUM PYROPHOSPHATE ARTHROPATHY; Familial calcium pyrophosphate deposition. Identifiers: Orphanet 1416, MedGen C0856830, MONDO:0007319, OMIM 118600.
Craniometaphyseal dysplasia, autosomal dominant (CMDD). Identifiers: Orphanet 1522, MedGen C1852502, MONDO:0007397, OMIM 123000.

Allele frequency attached by ClinVar (database versions not stated): TOPMed 0.86166; gnomAD 0.87139 and 0.87166; 1000 Genomes Project 0.92073; gnomAD exomes 1.00000.
gnomAD v4.1: 130,011 of 149,208 alleles (87%); highest among the groups gnomAD compares: Admixed American, 91%; 55,785 homozygotes.

Submissions (3):

Illumina Laboratory Services, Illumina
Classification: Benign for Craniometaphyseal dysplasia, autosomal dominant. Last evaluated: 2018-01-13. Review status: criteria provided, single submitter. Criteria: ICSL Variant Classification Criteria 13 December 2019. Collection method: clinical testing. Allele origin: germline.
Comment: This variant was observed in the ICSL laboratory as part of a predisposition screen in an ostensibly healthy population. It had not been previously curated by ICSL or reported in the Human Gene Mutation Database (HGMD: prior to June 1st, 2018), and was therefore a candidate for classification through an automated scoring system. Utilizing variant allele frequency, disease prevalence and penetrance estimates, and inheritance mode, an automated score was calculated to assess if this variant is too frequent to cause the disease. Based on the score and internal cut-off values, a variant classified as benign is not then subjected to further curation. The score for this variant resulted in a classification of benign for this disease.

Illumina Laboratory Services, Illumina
Classification: Benign for Chondrocalcinosis 2. Last evaluated: 2018-01-13. Review status: criteria provided, single submitter. Criteria: ICSL Variant Classification Criteria 13 December 2019. Collection method: clinical testing. Allele origin: germline.
Comment: the same text as in the submission from Illumina Laboratory Services, Illumina above.

Breakthrough Genomics
Classification: Benign. Review status: criteria provided, single submitter. Criteria: ACMG Guidelines, 2015. Collection method: not provided. Allele origin: germline. Inheritance: Autosomal dominant inheritance. Affected: yes.